The following is an entry in ClinVar:

NM_000384.3(APOB):c.133C>G (p.Arg45Gly)

Genes: APOB (apolipoprotein B; minus strand), LOC106560211 (APOB 5' regulatory region; plus strand). Cytogenetic location: 2p24.1.
Variant type: single nucleotide variant.
Coding change: c.133C>G on transcript NM_000384.3 (MANE Select); coding-DNA position 133, C replaced by G.
Protein change: p.Arg45Gly; replaces arginine 45 with glycine.
Molecular consequence: missense variant.
Genome position (GRCh38, 1-based): chr2:21,042,465, G>C on the plus strand (C>G on the coding strand, the complement: APOB is on the minus strand). VCF-style: chr2-21042465-G-C. GRCh37 (hg19) VCF-style: chr2-21265337-G-C.
Other names: short protein forms R45G.
Identifiers: ClinVar variation 630364 (VCV000630364.7), dbSNP rs779776455, ClinGen allele CA052600.

ClinVar aggregate classification (germline): Conflicting classifications of pathogenicity. Review status: criteria provided, conflicting classifications (1 of 4 stars). 2 submissions from 2 submitters: Uncertain significance (1); Likely benign (1). Last evaluated 2025-11-28.

Conditions:
Hypercholesterolemia, autosomal dominant, type B (FHCL2). Also called: APOB-Related Familial Hypercholesterolemia, Autosomal Dominant; Hyperlipoproteinemia Type IIb; Familial Hypercholesterolemia Type B; APOLIPOPROTEIN B-100, FAMILIAL DEFECTIVE; APOLIPOPROTEIN B-100, FAMILIAL LIGAND-DEFECTIVE; Familial hypercholesterolemia 2. Identifiers: MedGen C1704417, MONDO:0007751, OMIM 144010.
Familial hypobetalipoproteinemia 1. Also called: APOB-Related Familial Hypobetalipoproteinemia; Hypobetalipoproteinemia, normotriglyceridemic; Acanthocytosis with hypobetalipoproteinemia. Identifiers: MedGen C4551990, MONDO:0014252, OMIM 615558.
Familial hypercholesterolemia. Also called: Familial hypercholesterolemias; Familial hypercholesterolaemia. Identifiers: MedGen C0020445, MONDO:0005439.

Allele frequency attached by ClinVar (database versions not stated): TOPMed 0.00001; ExAC 0.00002; gnomAD 0.00002; gnomAD exomes 0.00002 and 0.00004.
gnomAD v4.1: 60 of 1,613,846 alleles (0.0037%); highest among the groups gnomAD compares: Non-Finnish European, 0.0047%; no homozygotes.

Submissions (2):

Labcorp Genetics (formerly Invitae), Labcorp
Classification: Likely benign for Familial hypobetalipoproteinemia 1; Hypercholesterolemia, autosomal dominant, type B. Last evaluated: 2025-11-28. Review status: criteria provided, single submitter. Criteria: Invitae Variant Classification Sherloc (09022015). Collection method: clinical testing. Allele origin: germline.

Color Diagnostics, LLC DBA Color Health
Classification: Uncertain significance for Familial hypercholesterolemia. Last evaluated: 2019-03-28. Review status: criteria provided, single submitter. Criteria: ACMG Guidelines, 2015. Collection method: clinical testing. Allele origin: germline.
Comment: Variant of Uncertain Significance due to insufficient evidence: This missense variant is located in the beta alpha 1 domain of the APOB protein. Computational prediction tools and conservation analyses are inconclusive regarding the impact of this variant on the protein function. Computational splicing tools suggest that this variant may not impact the RNA splicing. To our knowledge, functional assays have not been performed for this variant nor has this variant been reported in individuals affected with familial hypercholesterolemia in the literature. This variant has not been identified in the general population by the Genome Aggregation Database (gnomAD). Available evidence is insufficient to determine the role of this variant in disease conclusively.